The following is an entry in ClinVar:

ClinVar aggregate classification (germline): Likely pathogenic. Review status: criteria provided, single submitter (1 of 4 stars). 2 submissions from 2 submitters: Likely pathogenic (1). 1 of the submissions does not count toward it. Last evaluated 2022-09-14.

Conditions:
Cardiovascular phenotype. Identifiers: MedGen CN230736.
Pulmonary hypertension, primary, 1 (PPH1). Also called: Pulmonary hypertension, familial primary, 1, with or without HHT. Identifiers: Orphanet 422, MedGen C4552070, MONDO:0024533, OMIM 178600.

Submissions (2):

Ambry Genetics
Classification: Likely pathogenic for Cardiovascular phenotype. Last evaluated: 2022-09-14. Review status: criteria provided, single submitter. Criteria: Ambry Variant Classification Scheme 2023. Collection method: clinical testing. Allele origin: germline.
Comment: The p.L285P variant (also known as c.854T>C), located in coding exon 6 of the ACVRL1 gene, results from a T to C substitution at nucleotide position 854. The leucine at codon 285 is replaced by proline, an amino acid with similar properties. This variant has been detected in an individual from a pediatric pulmonary arterial hypertension cohort (Chida A et al. Am J Cardiol, 2012 Aug;110:586-93). Another alteration at the same codon, p.L285F (c.853C>T), has been reported in association with hereditary hemorrhagic telangiectasia (Lesca G et al, Hum. Mutat. 2004 Apr; 23(4):289-99; McDonald J et al. Clin Genet. 2011 Apr;79(4):335-44). Based on internal structural analysis, the p.L285P variant is predicted to be highly destabilizing (Kerr G et al. Angiogenesis. 2015 Apr;18(2):209-17; Williams E et al. Bone. 2018 04;109:251-258). This variant is considered to be rare based on population cohorts in the Genome Aggregation Database (gnomAD). This amino acid position is highly conserved in available vertebrate species. In addition, this alteration is predicted to be deleterious by in silico analysis. Based on the majority of available evidence to date, this variant is likely to be pathogenic.

Rare Disease Genomics Group, St George's University of London
Classification: Pathogenic for Primary pulmonary hypertension. Review status: no assertion criteria provided. Collection method: literature only. Allele origin: germline. Affected: yes. Not counted in ClinVar's aggregate classification.

Literature cited by the submitters: PubMed 22632830 (cited by Ambry Genetics and Rare Disease Genomics Group, St George's University of London); PubMed 25557927 (cited by Ambry Genetics); PubMed 28918311 (cited by Ambry Genetics).

NM_000020.3(ACVRL1):c.854T>C (p.Leu285Pro)

Gene: ACVRL1 (activin A receptor like type 1; plus strand). Cytogenetic location: 12q13.13.
Variant type: single nucleotide variant.
Coding change: c.854T>C on transcript NM_000020.3 (MANE Select); coding-DNA position 854, T replaced by C.
Protein change: p.Leu285Pro; replaces leucine 285 with proline.
Molecular consequence: missense variant.
Genome position (GRCh38, 1-based): chr12:51,915,306, T>C. VCF-style: chr12-51915306-T-C. GRCh37 (hg19) VCF-style: chr12-52309090-T-C.
Other names: c.854T>C, p.Leu285Pro (NM_001077401.2); short protein forms L285P.
Identifiers: ClinVar variation 426019 (VCV000426019.3), dbSNP rs1085307411, ClinGen allele CA384900566.